The following is an entry in ClinVar:

ClinVar aggregate classification (germline): Conflicting classifications of pathogenicity. Review status: criteria provided, conflicting classifications (1 of 4 stars). 3 submissions from 3 submitters: Likely pathogenic (1); Uncertain significance (2). Last evaluated 2024-08-20.

Conditions:
Pyridoxine-dependent epilepsy (EPEO4). Also called: Pyridoxine-Dependent Seizures; Pyridoxine-Dependent Epilepsy - ALDH7A1; PYRIDOXINE DEPENDENCY WITH SEIZURES; EPILEPSY, EARLY-ONSET, 4, VITAMIN B6-DEPENDENT. Identifiers: Orphanet 3006, MedGen C1849508, MONDO:0009945, OMIM 266100. Disease mechanism: loss of function.

Allele frequency attached by ClinVar (database versions not stated): TOPMed below 0.00001; gnomAD exomes 0.00001.
gnomAD v4.1: 9 of 1,614,046 alleles (0.00056%); highest among the groups gnomAD compares: Middle Eastern, 0.016%; no homozygotes.

Submissions (3):

GeneDx
Classification: Uncertain significance. Last evaluated: 2024-08-20. Review status: criteria provided, single submitter. Criteria: GeneDx Variant Classification Process June 2021. Collection method: clinical testing. Allele origin: germline. Affected: yes.
Comment: Not observed at significant frequency in large population cohorts (gnomAD); In silico analysis supports that this missense variant has a deleterious effect on protein structure/function; Has not been previously published as pathogenic or benign to our knowledge

Labcorp Genetics (formerly Invitae), Labcorp
Classification: Likely pathogenic for Pyridoxine-dependent epilepsy. Last evaluated: 2024-02-14. Review status: criteria provided, single submitter. Criteria: Invitae Variant Classification Sherloc (09022015). Collection method: clinical testing. Allele origin: germline.
Comment: This sequence change replaces arginine, which is basic and polar, with glutamine, which is neutral and polar, at codon 122 of the ALDH7A1 protein (p.Arg122Gln). This variant is present in population databases (no rsID available, gnomAD 0.003%). This variant has not been reported in the literature in individuals affected with ALDH7A1-related conditions. ClinVar contains an entry for this variant (Variation ID: 860878). Advanced modeling of protein sequence and biophysical properties (such as structural, functional, and spatial information, amino acid conservation, physicochemical variation, residue mobility, and thermodynamic stability) performed at Invitae indicates that this missense variant is expected to disrupt ALDH7A1 protein function with a positive predictive value of 95%. This variant disrupts the p.Arg122 amino acid residue in ALDH7A1. Other variant(s) that disrupt this residue have been determined to be pathogenic (PMID: 31737911). This suggests that this residue is clinically significant, and that variants that disrupt this residue are likely to be disease-causing. In summary, the currently available evidence indicates that the variant is pathogenic, but additional data are needed to prove that conclusively. Therefore, this variant has been classified as Likely Pathogenic.

Blueprint Genetics
Classification: Uncertain significance. Last evaluated: 2023-03-30. Review status: criteria provided, single submitter. Criteria: ACMG Guidelines, 2015. Collection method: clinical testing. Allele origin: germline.

Literature cited by the submitters: PubMed 31737911 (cited by Labcorp Genetics (formerly Invitae), Labcorp).

NM_001182.5(ALDH7A1):c.365G>A (p.Arg122Gln)

Gene: ALDH7A1 (aldehyde dehydrogenase 7 family member A1; minus strand). Cytogenetic location: 5q23.2.
Variant type: single nucleotide variant.
Coding change: c.365G>A on transcript NM_001182.5 (MANE Select); coding-DNA position 365, G replaced by A.
Protein change: p.Arg122Gln; replaces arginine 122 with glutamine.
Molecular consequence: missense variant.
Genome position (GRCh38, 1-based): chr5:126,583,960, C>T on the plus strand (G>A on the coding strand, the complement: ALDH7A1 is on the minus strand). VCF-style: chr5-126583960-C-T. GRCh37 (hg19) VCF-style: chr5-125919652-C-T.
Other names: c.281G>A, p.Arg94Gln (NM_001201377.2); c.365G>A, p.Arg122Gln (NM_001202404.2); short protein forms R122Q, R94Q.
Identifiers: ClinVar variation 860878 (VCV000860878.10), dbSNP rs796052256, ClinGen allele CA360732039.